The following is an entry in ClinVar:

NM_004380.3(CREBBP):c.1519dup (p.Gln507fs)

Gene: CREBBP (CREB binding lysine acetyltransferase; minus strand). Cytogenetic location: 16p13.3.
Variant type: Duplication.
Coding change: c.1519dup on transcript NM_004380.3 (MANE Select); coding-DNA position 1519, one base duplicated (C; older notation c.1519dupC).
Protein change: p.Gln507fs; shifts the reading frame from glutamine 507.
Molecular consequence: frameshift variant.
Genome position (GRCh38, 1-based): chr16:3,782,738, G duplicated on the plus strand (C on the coding strand, the reverse complement: CREBBP is on the minus strand); the first of 2 consecutive G bases (chr16:3,782,738-3,782,739); duplicating either gives the same sequence. VCF-style (leftmost placement, unchanged base first): chr16-3782737-T-TG. GRCh37 (hg19) VCF-style: chr16-3832738-T-TG.
Other names: c.1405dup, p.Gln469fs (NM_001079846.1); short protein forms Q469fs, Q507fs.
Identifiers: ClinVar variation 2089630 (VCV002089630.4), dbSNP rs2548443607, ClinGen allele CA2580091125.

ClinVar aggregate classification (germline): Pathogenic (1 of 4 stars; one submission).

Conditions:
Rubinstein-Taybi syndrome (RSTS). Identifiers: Orphanet 783, MedGen C0035934, MONDO:0019188.

Submission:

Labcorp Genetics (formerly Invitae), Labcorp
Classification: Pathogenic for Rubinstein-Taybi syndrome. Last evaluated: 2022-01-26. Review status: criteria provided, single submitter. Criteria: Invitae Variant Classification Sherloc (09022015). Collection method: clinical testing. Allele origin: germline.
Comment: For these reasons, this variant has been classified as Pathogenic. This variant has not been reported in the literature in individuals affected with CREBBP-related conditions. This variant is not present in population databases (gnomAD no frequency). This sequence change creates a premature translational stop signal (p.Gln507Profs*21) in the CREBBP gene. It is expected to result in an absent or disrupted protein product. Loss-of-function variants in CREBBP are known to be pathogenic (PMID: 17052327, 18792986).

Literature cited by the submitters: PubMed 17052327; PubMed 18792986.